The following is an entry in ClinVar:

ClinVar aggregate classification (germline): Conflicting classifications of pathogenicity. Review status: criteria provided, conflicting classifications (1 of 4 stars). 4 submissions from 4 submitters: Uncertain significance (1); Benign (1); Likely benign (2). Last evaluated 2026-01-22.

Conditions:
Collagen 6-related myopathy. Identifiers: MedGen CN117976, MONDO:0100225.
Bethlem myopathy 1A. Also called: Bethlem myopathy 1; Bethlem Muscular Dystrophy; MYOPATHY, BENIGN CONGENITAL, WITH CONTRACTURES. Identifiers: Orphanet 610, MedGen CN029274, MONDO:0024530, OMIM 158810.

Allele frequency attached by ClinVar (database versions not stated): ExAC 0.00008; ESP Exome Variant Server 0.00008; gnomAD exomes 0.00009; gnomAD 0.00015 and 0.00018; TOPMed 0.00026.
gnomAD v4.1: 93 of 1,612,616 alleles (0.0058%); highest among the groups gnomAD compares: Middle Eastern, 0.12%; 1 homozygote.

Submissions (4):

Labcorp Genetics (formerly Invitae), Labcorp
Classification: Likely benign for Bethlem myopathy 1A. Last evaluated: 2026-01-22. Review status: criteria provided, single submitter. Criteria: Invitae Variant Classification Sherloc (09022015). Collection method: clinical testing. Allele origin: germline.

CeGaT Center for Human Genetics Tuebingen
Classification: Likely benign. Last evaluated: 2023-11-01. Review status: criteria provided, single submitter. Criteria: CeGaT Center For Human Genetics Tuebingen Variant Classification Criteria Version 2. Collection method: clinical testing. Allele origin: germline. Affected: yes. Observed: 1 variant allele.
Comment: COL6A2: BP4, BP7

Eurofins Ntd Llc (ga)
Classification: Uncertain significance. Last evaluated: 2018-02-13. Review status: criteria provided, single submitter. Criteria: EGL ClinVar v180209 classification definitions. Collection method: clinical testing. Allele origin: germline. Observed: 2 variant alleles, 2 heterozygotes.

Illumina Laboratory Services, Illumina
Classification: Benign for Collagen VI-related myopathy. Last evaluated: 2018-01-13. Review status: criteria provided, single submitter. Criteria: ICSL Variant Classification Criteria 13 December 2019. Collection method: clinical testing. Allele origin: germline.
Comment: This variant was observed in the ICSL laboratory as part of a predisposition screen in an ostensibly healthy population. It had not been previously curated by ICSL or reported in the Human Gene Mutation Database (HGMD: prior to June 1st, 2018), and was therefore a candidate for classification through an automated scoring system. Utilizing variant allele frequency, disease prevalence and penetrance estimates, and inheritance mode, an automated score was calculated to assess if this variant is too frequent to cause the disease. Based on the score and internal cut-off values, a variant classified as benign is not then subjected to further curation. The score for this variant resulted in a classification of benign for this disease.

NM_001849.4(COL6A2):c.1599C>T (p.Arg533=)

Gene: COL6A2 (collagen type VI alpha 2 chain; plus strand). Cytogenetic location: 21q22.3.
Variant type: single nucleotide variant.
Coding change: c.1599C>T on transcript NM_001849.4 (MANE Select); coding-DNA position 1599, C replaced by T.
Protein change: p.Arg533=; no amino-acid change (arginine 533 retained).
Molecular consequence: synonymous variant.
Genome position (GRCh38, 1-based): chr21:46,122,522, C>T. VCF-style: chr21-46122522-C-T. GRCh37 (hg19) VCF-style: chr21-47542436-C-T.
Other names: c.1599C>T, p.Arg533= (NM_058174.3, NM_058175.3).
Identifiers: ClinVar variation 340367 (VCV000340367.43), dbSNP rs373635709, ClinGen allele CA10072016.